The following is an entry in ClinVar:

ClinVar aggregate classification (germline): Conflicting classifications of pathogenicity. Review status: criteria provided, conflicting classifications (1 of 4 stars). 3 submissions from 3 submitters: Uncertain significance (2); Likely benign (1). Last evaluated 2026-04-02.

Conditions:
Ullrich congenital muscular dystrophy 2 (UCMD2). Identifiers: Orphanet 75840, MedGen C4225314, MONDO:0014654, OMIM 616470.
Bethlem myopathy 2 (BTHLM2). Identifiers: Orphanet 536516, Orphanet 610, MedGen C4225313, MONDO:0034022, OMIM 616471.

Allele frequency attached by ClinVar (database versions not stated): TOPMed 0.00002; 1000 Genomes Project 30x 0.00031; 1000 Genomes Project 0.00040.
gnomAD v4.1: 81 of 1,610,088 alleles (0.005%); highest among the groups gnomAD compares: South Asian, 0.031%; no homozygotes.

Submissions (3):

Women's Health and Genetics/Laboratory Corporation of America, LabCorp
Classification: Uncertain significance. Last evaluated: 2026-04-02. Review status: criteria provided, single submitter. Criteria: LabCorp Variant Classification Summary - May 2015. Collection method: clinical testing. Allele origin: germline.
Comment: Variant summary: COL12A1 c.173C>T (p.Thr58Met) results in a non-conservative amino acid change in the encoded protein sequence. Algorithms developed to predict the effect of missense changes on protein structure and function are either unavailable or do not agree on the potential impact of this missense change. The variant allele was found at a frequency of 6.5e-05 in 247720 control chromosomes. This frequency is not significantly higher than estimated for disease-causing variants in COL12A1, allowing no conclusion about variant significance. To our knowledge, no occurrence of c.173C>T in individuals affected with COL12A1-related conditions and no experimental evidence demonstrating its impact on protein function have been reported. ClinVar contains an entry for this variant (Variation ID: 642405). Based on the evidence outlined above, the variant was classified as uncertain significance.

Labcorp Genetics (formerly Invitae), Labcorp
Classification: Likely benign for Bethlem myopathy 2; Ullrich congenital muscular dystrophy 2. Last evaluated: 2025-09-22. Review status: criteria provided, single submitter. Criteria: Invitae Variant Classification Sherloc (09022015). Collection method: clinical testing. Allele origin: germline.

Revvity Omics, Revvity
Classification: Uncertain significance. Last evaluated: 2019-01-24. Review status: criteria provided, single submitter. Criteria: ACMG Guidelines, 2015. Collection method: clinical testing. Allele origin: germline.

NM_004370.6(COL12A1):c.173C>T (p.Thr58Met)

Gene: COL12A1 (collagen type XII alpha 1 chain; minus strand). Cytogenetic location: 6q13.
Variant type: single nucleotide variant.
Coding change: c.173C>T on transcript NM_004370.6 (MANE Select); coding-DNA position 173, C replaced by T.
Protein change: p.Thr58Met; replaces threonine 58 with methionine.
Molecular consequence: missense variant. On other transcripts: intron variant (1).
Genome position (GRCh38, 1-based): chr6:75,194,848, G>A on the plus strand (C>T on the coding strand, the complement: COL12A1 is on the minus strand). VCF-style: chr6-75194848-G-A. GRCh37 (hg19) VCF-style: chr6-75904564-G-A.
Other names: c.73+7872C>T (NM_080645.3); short protein forms T58M.
Identifiers: ClinVar variation 642405 (VCV000642405.12), dbSNP rs140583215, ClinGen allele CA3894500.
Genomic context (GRCh38, chr6:75,194,848, plus strand): 5'-CATCATGATGCTTCTGTCCTAAAACCCCAGTCTCAAAACTTACCCGTTGTAGGGTCCACC[G>A]TTATTCTGTAACCCACAATTGGATCAACTGGTTTTGCCCATGACATATGAACAGTATTTT-3'
Protein context (NP_004361.3, residues 48-68): PVDPIVGYRI[Thr58Met]VDPTTDGPTK